The following is an entry in ClinVar:

ClinVar aggregate classification (germline): Uncertain significance (1 of 4 stars; one submission).

Submission:

Labcorp Genetics (formerly Invitae), Labcorp
Classification: Uncertain significance. Last evaluated: 2024-02-10. Review status: criteria provided, single submitter. Criteria: Invitae Variant Classification Sherloc (09022015). Collection method: clinical testing. Allele origin: germline.
Comment: This variant, c.8_13dup, results in the insertion of 2 amino acid(s) of the IRF2BP2 protein (p.Ala3_Ala4dup), but otherwise preserves the integrity of the reading frame. This variant is not present in population databases (gnomAD no frequency). This variant has not been reported in the literature in individuals affected with IRF2BP2-related conditions. In summary, the available evidence is currently insufficient to determine the role of this variant in disease. Therefore, it has been classified as a Variant of Uncertain Significance.

NM_182972.3(IRF2BP2):c.8CGG[4] (p.Ala4_Val5insAlaAla)

Gene: IRF2BP2 (interferon regulatory factor 2 binding protein 2; minus strand). Cytogenetic location: 1q42.3.
Variant type: Microsatellite.
Coding change: c.8CGG[4] on transcript NM_182972.3 (MANE Select); four copies in a row of the 3-base unit CGG starting at c.8; the reference has two copies in a row; two copies, 6 bases duplicated.
Protein change: p.Ala4_Val5insAlaAla.
Molecular consequence: inframe insertion.
Genome position (GRCh38, 1-based): chr1:234,609,482-234,609,487, CCGCCG duplicated on the plus strand (CGGCGG on the coding strand, the reverse complement: IRF2BP2 is on the minus strand); duplicating any 6 consecutive bases within chr1:234,609,482-234,609,488 gives the same sequence; the position shown is the placement nearest the transcript's 3' end. VCF-style (leftmost placement, unchanged base first): chr1-234609481-A-ACCGCCG. GRCh37 (hg19) VCF-style: chr1-234745227-A-ACCGCCG.
Other names: c.8CGG[4], p.Ala4_Val5insAlaAla (NM_001077397.1).
Identifiers: ClinVar variation 2420212 (VCV002420212.5), dbSNP rs1672280109, ClinGen allele CA1013503751.